The following is an entry in ClinVar:

ClinVar aggregate classification (germline): Conflicting classifications of pathogenicity. Review status: criteria provided, conflicting classifications (1 of 4 stars). 4 submissions from 4 submitters: Uncertain significance (3); Likely benign (1). Last evaluated 2026-01-27.

Conditions:
Kabuki syndrome. Also called: Kabuki make-up syndrome; NIIKAWA-KUROKI SYNDROME. Identifiers: Orphanet 2322, MedGen C0796004, MONDO:0016512.
Inborn genetic diseases. Identifiers: MedGen C0950123, MeSH D030342.
Kabuki syndrome 1 (KABUK1). Also called: KMT2D-Related Kabuki Syndrome. Identifiers: Orphanet 2322, MedGen CN030661, MONDO:0007843, OMIM 147920.

Allele frequency attached by ClinVar (database versions not stated): gnomAD 0.00001; gnomAD exomes 0.00001; TOPMed 0.00003.
gnomAD v4.1: 6 of 1,557,652 alleles (0.00039%); highest among the groups gnomAD compares: Admixed American, 0.0097%; no homozygotes.

Submissions (4):

Labcorp Genetics (formerly Invitae), Labcorp
Classification: Likely benign for Kabuki syndrome. Last evaluated: 2026-01-27. Review status: criteria provided, single submitter. Criteria: Invitae Variant Classification Sherloc (09022015). Collection method: clinical testing. Allele origin: germline.

GeneDx
Classification: Uncertain significance. Last evaluated: 2020-11-09. Review status: criteria provided, single submitter. Criteria: GeneDx Variant Classification Process June 2021. Collection method: clinical testing. Allele origin: germline. Affected: yes.
Comment: In silico analysis supports that this missense variant has a deleterious effect on protein structure/function; Has not been previously published as pathogenic or benign to our knowledge

Ambry Genetics
Classification: Uncertain significance for Inborn genetic diseases. Last evaluated: 2020-11-02. Review status: criteria provided, single submitter. Criteria: Ambry Variant Classification Scheme 2023. Collection method: clinical testing. Allele origin: germline.

Illumina Laboratory Services, Illumina
Classification: Uncertain significance for Kabuki syndrome 1. Last evaluated: 2020-01-10. Review status: criteria provided, single submitter. Criteria: ICSLVariantClassificationCriteria RUGD 01 April 2020. Collection method: clinical testing. Allele origin: unknown.
Comment: The KMT2D c.14057A>C (p.Asn4686Thr) variant is a missense variant. A literature search was performed for the gene, cDNA change, and amino acid change. No publications were found based on this search. The variant is reported at a frequency of 0.000039 in the Latino population from the Genome Aggregation Database, though this is based on one allele in a region of good sequencing coverage so the variant is presumed to be rare. The p.Asn4686Thr variant occurs at a conserved residue and in silico predictions suggest a damaging effect, however this has not been evaluated experimentally. Based on the limited evidence, the p.Asn4686Thr variant is classified as a variant of unknown significance for Kabuki syndrome.

NM_003482.4(KMT2D):c.14057A>C (p.Asn4686Thr)

Gene: KMT2D (lysine methyltransferase 2D; minus strand). Cytogenetic location: 12q13.12.
Variant type: single nucleotide variant.
Coding change: c.14057A>C on transcript NM_003482.4 (MANE Select); coding-DNA position 14057, A replaced by C.
Protein change: p.Asn4686Thr; replaces asparagine 4686 with threonine.
Molecular consequence: missense variant.
Genome position (GRCh38, 1-based): chr12:49,029,419, T>G on the plus strand (A>C on the coding strand, the complement: KMT2D is on the minus strand). VCF-style: chr12-49029419-T-G. GRCh37 (hg19) VCF-style: chr12-49423202-T-G.
Other names: short protein forms N4686T.
Identifiers: ClinVar variation 873526 (VCV000873526.10), dbSNP rs1188206999, ClinGen allele CA384699443.